The following is an entry in ClinVar:

ClinVar aggregate classification (germline): Conflicting classifications of pathogenicity. Review status: criteria provided, conflicting classifications (1 of 4 stars). 6 submissions from 6 submitters: Uncertain significance (4); Likely benign (1). 1 of the submissions does not count toward it. Last evaluated 2024-05-24.

Conditions:
Alstrom syndrome (ALMS). Identifiers: Orphanet 64, MedGen C0268425, MONDO:0008763, OMIM 203800.
Cardiovascular phenotype. Identifiers: MedGen CN230736.

Allele frequency attached by ClinVar (database versions not stated): gnomAD exomes 0.00002; ExAC 0.00005; gnomAD 0.00006 and 0.00008; TOPMed 0.00009; 1000 Genomes Project 30x 0.00062; 1000 Genomes Project 0.00080.
gnomAD v4.1: 20 of 1,613,958 alleles (0.0012%); highest among the groups gnomAD compares: African/African-American, 0.021%; no homozygotes.

Submissions (6):

Ambry Genetics
Classification: Likely benign for Cardiovascular phenotype. Last evaluated: 2024-05-24. Review status: criteria provided, single submitter. Criteria: Ambry Variant Classification Scheme 2023. Collection method: clinical testing. Allele origin: germline.

Labcorp Genetics (formerly Invitae), Labcorp
Classification: Uncertain significance for Alstrom syndrome. Last evaluated: 2022-07-26. Review status: criteria provided, single submitter. Criteria: Invitae Variant Classification Sherloc (09022015). Collection method: clinical testing. Allele origin: germline.
Comment: This sequence change replaces asparagine, which is neutral and polar, with aspartic acid, which is acidic and polar, at codon 3453 of the ALMS1 protein (p.Asn3453Asp). This variant is present in population databases (rs573748379, gnomAD 0.03%). This variant has not been reported in the literature in individuals affected with ALMS1-related conditions. ClinVar contains an entry for this variant (Variation ID: 429490). Algorithms developed to predict the effect of missense changes on protein structure and function output the following: SIFT: "Not Available"; PolyPhen-2: "Not Available"; Align-GVGD: "Not Available". The aspartic acid amino acid residue is found in multiple mammalian species, which suggests that this missense change does not adversely affect protein function. In summary, the available evidence is currently insufficient to determine the role of this variant in disease. Therefore, it has been classified as a Variant of Uncertain Significance.

Fulgent Genetics
Classification: Uncertain significance for Alstrom syndrome. Last evaluated: 2022-04-17. Review status: criteria provided, single submitter. Criteria: ACMG Guidelines, 2015. Collection method: clinical testing. Allele origin: unknown.

GeneDx
Classification: Uncertain significance. Last evaluated: 2021-04-26. Review status: criteria provided, single submitter. Criteria: GeneDx Variant Classification Process June 2021. Collection method: clinical testing. Allele origin: germline. Affected: yes.
Comment: In silico analysis supports that this missense variant does not alter protein structure/function; Has not been previously published as pathogenic or benign to our knowledge

Women's Health and Genetics/Laboratory Corporation of America, LabCorp
Classification: Uncertain significance. Last evaluated: 2017-03-06. Review status: criteria provided, single submitter. Criteria: LabCorp Variant Classification Summary - May 2015. Collection method: clinical testing. Allele origin: germline.
Comment: Variant summary: The ALMS1 c.10351A>G (p.Asn3451Asp, alternative name c.10357A>G) variant involves the alteration of a non-conserved nucleotide and is predicted to be benign by 4/4 in silico tools (SNPs&GO not captured due to low reliability index). It is located outside of some of known domains and repeats in ALMS1 protein (InterPro, UniProt). This variant was found in 6/117580 control chromosomes at a frequency of 0.000051, which does not exceed the estimated maximal expected allele frequency of a pathogenic ALMS1 variant (0.0022361). The variant of interest has not, to our knowledge, been reported in affected individuals via publications and/or reputable databases/clinical diagnostic laboratories; nor evaluated for functional impact by in vivo/vitro studies. Because of the absence of clinical information and the lack of functional studies, the variant is classified as a variant of uncertain significance (VUS) until additional information becomes available.

Natera, Inc.
Classification: Uncertain significance for Alstrom syndrome. Last evaluated: 2020-09-16. Review status: no assertion criteria provided. Collection method: clinical testing. Allele origin: germline. Not counted in ClinVar's aggregate classification.

NM_001378454.1(ALMS1):c.10354A>G (p.Asn3452Asp)

Gene: ALMS1 (ALMS1 centrosome and basal body associated protein; plus strand). Cytogenetic location: 2p13.1.
Variant type: single nucleotide variant.
Coding change: c.10354A>G on transcript NM_001378454.1 (MANE Select); coding-DNA position 10354, A replaced by G.
Protein change: p.Asn3452Asp; replaces asparagine 3452 with aspartic acid.
Molecular consequence: missense variant.
Genome position (GRCh38, 1-based): chr2:73,559,112, A>G. VCF-style: chr2-73559112-A-G. GRCh37 (hg19) VCF-style: chr2-73786239-A-G.
Other names: c.10357A>G, p.Asn3453Asp (NM_015120.4); short protein forms N3453D, N3452D.
Identifiers: ClinVar variation 429490 (VCV000429490.11), dbSNP rs573748379, ClinGen allele CA1714970.